The following is an entry in ClinVar:

ClinVar aggregate classification (germline): Uncertain significance (1 of 4 stars; one submission).

Allele frequency attached by ClinVar (database versions not stated): gnomAD 0.00001; gnomAD exomes 0.00001.
gnomAD v4.1: 8 of 1,537,484 alleles (0.00052%); highest among the groups gnomAD compares: Admixed American, 0.014%; no homozygotes.

Submission:

Labcorp Genetics (formerly Invitae), Labcorp
Classification: Uncertain significance. Last evaluated: 2023-08-10. Review status: criteria provided, single submitter. Criteria: Invitae Variant Classification Sherloc (09022015). Collection method: clinical testing. Allele origin: germline.
Comment: In summary, the available evidence is currently insufficient to determine the role of this variant in disease. Therefore, it has been classified as a Variant of Uncertain Significance. An algorithm developed to predict the effect of missense changes on protein structure and function (PolyPhen-2) suggests that this variant is likely to be tolerated. ClinVar contains an entry for this variant (Variation ID: 1418818). This variant has not been reported in the literature in individuals affected with SPEG-related conditions. This variant is present in population databases (no rsID available, gnomAD 0.02%). This sequence change replaces arginine, which is basic and polar, with proline, which is neutral and non-polar, at codon 116 of the SPEG protein (p.Arg116Pro).

NM_005876.5(SPEG):c.347G>C (p.Arg116Pro)

Gene: SPEG (striated muscle enriched protein kinase; plus strand). Cytogenetic location: 2q35.
Variant type: single nucleotide variant.
Coding change: c.347G>C on transcript NM_005876.5 (MANE Select); coding-DNA position 347, G replaced by C.
Protein change: p.Arg116Pro; replaces arginine 116 with proline.
Molecular consequence: missense variant.
Genome position (GRCh38, 1-based): chr2:219,435,324, G>C. VCF-style: chr2-219435324-G-C. GRCh37 (hg19) VCF-style: chr2-220300046-G-C.
Other names: short protein forms R116P.
Identifiers: ClinVar variation 1418818 (VCV001418818.6), dbSNP rs756522056, ClinGen allele CA65993624.
Genomic context (GRCh38, chr2:219,435,324, plus strand): 5'-GGCGCTGCGGGGCGCAGGACGCCGGCGTGTACAGCTGCATGGCCCAGAACGAGCGGGGCC[G>C]GGCCTCCTGCGAGGCGGTGCTCACAGTGCTGGAGGTCGGAGGTAAAGGGCAGGTGGGGGC-3'
Protein context (NP_005867.3, residues 106-126): YSCMAQNERG[Arg116Pro]ASCEAVLTVL